The following is an entry in ClinVar:

NM_016529.6(ATP8A2):c.812T>G (p.Leu271Ter)

Gene: ATP8A2 (ATPase phospholipid transporting 8A2). Cytogenetic location: 13q12.13.
Variant type: single nucleotide variant.
Coding change: c.812T>G on transcript NM_016529.6 (MANE Select); coding-DNA position 812, T replaced by G.
Protein change: p.Leu271Ter; replaces leucine 271 with a stop codon.
Molecular consequence: nonsense.
Genome position (GRCh38, 1-based): chr13:25,543,323, T>G. VCF-style: chr13-25543323-T-G. GRCh37 (hg19) VCF-style: chr13-26117461-T-G.
Other names: c.692T>G, p.Leu231Ter (NM_001313741.1); c.812T>G, p.Leu271Ter (NM_001411005.1, NM_001411006.1); short protein forms L231*, L271*.
Identifiers: ClinVar variation 4694035 (VCV004694035.1).

ClinVar aggregate classification (germline): Pathogenic (1 of 4 stars; one submission).

Submission:

Labcorp Genetics (formerly Invitae), Labcorp
Classification: Pathogenic. Last evaluated: 2025-06-05. Review status: criteria provided, single submitter. Criteria: Invitae Variant Classification Sherloc (09022015). Collection method: clinical testing. Allele origin: germline.
Comment: This sequence change creates a premature translational stop signal (p.Leu271*) in the ATP8A2 gene. It is expected to result in an absent or disrupted protein product. Loss-of-function variants in ATP8A2 are known to be pathogenic (PMID: 28454995, 29531481). This variant is not present in population databases (gnomAD no frequency). This variant has not been reported in the literature in individuals affected with ATP8A2-related conditions. For these reasons, this variant has been classified as Pathogenic.

Literature cited by the submitters: PubMed 28454995; PubMed 29531481.